The following is an entry in ClinVar:

ClinVar aggregate classification (germline): Pathogenic (1 of 4 stars; one submission).

Conditions:
Hereditary cancer-predisposing syndrome. Also called: Neoplastic Syndromes, Hereditary; Tumor predisposition; Hereditary neoplastic syndrome; Hereditary Cancer Syndrome. Identifiers: Orphanet 140162, MedGen C0027672, MeSH D009386, MONDO:0015356.

Submission:

Ambry Genetics
Classification: Pathogenic for Hereditary cancer-predisposing syndrome. Last evaluated: 2026-08-08. Review status: criteria provided, single submitter. Criteria: Ambry Variant Classification Scheme 2023. Collection method: clinical testing. Allele origin: germline.
Comment: The c.2376_2379delGCAA pathogenic mutation, located in coding exon 15 of the APC gene, results from a deletion of 4 nucleotides at nucleotide positions 2376 to 2379, causing a translational frameshift with a predicted alternate stop codon (p.Q793Vfs*26). This variant occurs at the 3' terminus of the gene, is not expected to trigger nonsense-mediated mRNA decay, and impacts the last 71% of the protein. However, premature stop codons are typically deleterious in nature and a significant portion of the protein is affected (Ambry internal data). This variant was reported in individual(s) with features consistent with APC-related familial adenomatous polyposis (Ambry internal data). This variant is considered to be rare based on population cohorts in the Genome Aggregation Database (gnomAD). Based on the supporting evidence, this variant is interpreted as a disease-causing mutation.

NM_000038.6(APC):c.2376_2379del (p.Gln793fs)

Gene: APC (APC regulator of Wnt signaling pathway; plus strand). Cytogenetic location: 5q22.2.
Variant type: Deletion.
Coding change: c.2376_2379del on transcript NM_000038.6 (MANE Select); coding-DNA positions 2376 to 2379, 4 bases deleted (GCAA; older notation c.2376_2379delGCAA).
Protein change: p.Gln793fs; shifts the reading frame from glutamine 793.
Molecular consequence: frameshift variant. On other transcripts: non-coding transcript variant (2).
Genome position (GRCh38, 1-based): chr5:112,837,970-112,837,973, GCAA deleted; deleting any 4 consecutive bases within chr5:112,837,967-112,837,973 gives the same sequence; the c. name uses the placement nearest the transcript's 3' end. VCF-style (leftmost placement, unchanged base first): chr5-112837966-ACAAG-A. GRCh37 (hg19) VCF-style: chr5-112173663-ACAAG-A.
Other names: c.1896_1899del, p.Gln633fs (NM_001354905.2); c.1527_1530del, p.Gln510fs (NM_001354906.2, NM_001407470.1); c.2460_2463del, p.Gln821fs (NM_001407446.1); c.2430_2433del, p.Gln811fs (NM_001407447.1, NM_001407448.1, NM_001407449.1 and 1 more transcripts); c.2376_2379del, p.Gln793fs (NM_001407450.1, NM_001354895.2, NM_001127510.3); c.2355_2358del, p.Gln786fs (NM_001407451.1); c.2346_2349del, p.Gln783fs (NM_001407452.1); c.2199_2202del, p.Gln734fs (NM_001407453.1, NM_001354901.2); and 11 more; short protein forms Q664fs, Q768fs, Q793fs, Q821fs, Q667fs, Q702fs, Q710fs, Q752fs.
Identifiers: ClinVar variation 5025619 (VCV005025619.1).